The following is an entry in ClinVar:

NM_014049.5(ACAD9):c.634-1G>A

Gene: ACAD9 (acyl-CoA dehydrogenase family member 9; plus strand). Cytogenetic location: 3q21.3.
Variant type: single nucleotide variant.
Coding change: c.634-1G>A on transcript NM_014049.5 (MANE Select); the canonical splice acceptor site of the intron before coding-DNA position 634, G replaced by A.
Molecular consequence: splice acceptor variant.
Genome position (GRCh38, 1-based): chr3:128,899,286, G>A. VCF-style: chr3-128899286-G-A. GRCh37 (hg19) VCF-style: chr3-128618129-G-A.
Other names: c.265-1G>A (NM_001410805.1).
Identifiers: ClinVar variation 1722425 (VCV001722425.2), dbSNP rs2529261830, ClinGen allele CA354434221.

ClinVar aggregate classification (germline): Likely pathogenic. Review status: criteria provided, multiple submitters, no conflicts (2 of 4 stars). 2 submissions from 2 submitters: Likely pathogenic (2). Last evaluated 2024-03-30.

Conditions:
Mitochondrial complex I deficiency. Also called: NADH:Q(1) OXIDOREDUCTASE DEFICIENCY. Identifiers: Orphanet 2609, MedGen C1838979, MeSH C537475, MONDO:0100133.
Acyl-CoA dehydrogenase 9 deficiency. Also called: MITOCHONDRIAL COMPLEX I DEFICIENCY, NUCLEAR TYPE 20; Acyl-CoA dehydrogenase family, member 9, deficiency of. Identifiers: Orphanet 99901, MedGen C4747517, MONDO:0012624, OMIM 611126.

Submissions (2):

Fulgent Genetics
Classification: Likely pathogenic for Acyl-CoA dehydrogenase 9 deficiency. Last evaluated: 2024-03-30. Review status: criteria provided, single submitter. Criteria: ACMG Guidelines, 2015. Collection method: clinical testing. Allele origin: germline.

Women's Health and Genetics/Laboratory Corporation of America, LabCorp
Classification: Likely pathogenic for Mitochondrial complex I deficiency. Last evaluated: 2022-09-27. Review status: criteria provided, single submitter. Criteria: LabCorp Variant Classification Summary - May 2015. Collection method: clinical testing. Allele origin: germline.
Comment: Variant summary: ACAD9 c.634-1G>A is located in a canonical splice-site and is predicted to affect mRNA splicing resulting in a significantly altered protein due to either exon skipping, shortening, or inclusion of intronic material. Multiple computational tools predict a significant impact on normal splicing: Four predict the variant abolishes a canonical 3' acceptor site and three predict the variant creates a cryptic 3' acceptor site. However, these predictions have yet to be confirmed by functional studies. The variant was absent in 251444 control chromosomes. To our knowledge, no occurrence of c.634-1G>A in individuals affected with Mitochondrial Complex I Deficiency, Nuclear Type 20 and no experimental evidence demonstrating its impact on protein function have been reported. No clinical diagnostic laboratories have submitted clinical-significance assessments for this variant to ClinVar after 2014. Based on the evidence outlined above, the variant was classified as likely pathogenic.